The following is an entry in ClinVar:

ClinVar aggregate classification (germline): Likely benign. Review status: criteria provided, multiple submitters, no conflicts (2 of 4 stars). 3 submissions from 3 submitters: Likely benign (3). Last evaluated 2026-08-20.

Conditions:
PDGFB-related disorder. Also called: PDGFB-related condition.

Allele frequency attached by ClinVar (database versions not stated): TOPMed 0.00002; gnomAD 0.00006; gnomAD exomes 0.00006; ExAC 0.00015.
gnomAD v4.1: 104 of 1,609,494 alleles (0.0065%); highest among the groups gnomAD compares: Non-Finnish European, 0.0043%; no homozygotes.

Submissions (3):

PreventionGenetics, part of Exact Sciences
Classification: Likely benign for PDGFB-related condition. Last evaluated: 2026-08-20. Review status: criteria provided, single submitter. Criteria: ACMG Guidelines, 2015. Collection method: clinical testing. Allele origin: germline.
Comment: This variant is classified as likely benign based on ACMG/AMP sequence variant interpretation guidelines (Richards et al. 2015 PMID: 25741868, with internal and published modifications).

Labcorp Genetics (formerly Invitae), Labcorp
Classification: Likely benign. Last evaluated: 2025-10-13. Review status: criteria provided, single submitter. Criteria: Invitae Variant Classification Sherloc (09022015). Collection method: clinical testing. Allele origin: germline.

Blueprint Genetics
Classification: Likely benign. Last evaluated: 2024-09-17. Review status: criteria provided, single submitter. Criteria: ACMG Guidelines, 2015. Collection method: clinical testing. Allele origin: germline.

NM_002608.4(PDGFB):c.366G>A (p.Pro122=)

Gene: PDGFB (platelet derived growth factor subunit B; minus strand). Cytogenetic location: 22q13.1.
Variant type: single nucleotide variant.
Coding change: c.366G>A on transcript NM_002608.4 (MANE Select); coding-DNA position 366, G replaced by A.
Protein change: p.Pro122=; no amino-acid change (proline 122 retained).
Molecular consequence: synonymous variant.
Genome position (GRCh38, 1-based): chr22:39,231,712, C>T on the plus strand (G>A on the coding strand, the complement: PDGFB is on the minus strand). VCF-style: chr22-39231712-C-T. GRCh37 (hg19) VCF-style: chr22-39627717-C-T.
Other names: c.321G>A, p.Pro107= (NM_033016.3); c.366G>A (NM_002608.3).
Identifiers: ClinVar variation 2896703 (VCV002896703.5), dbSNP rs772178312, ClinGen allele CA10240131.